The following is an entry in ClinVar:

ClinVar aggregate classification (germline): Uncertain significance. Review status: criteria provided, multiple submitters, no conflicts (2 of 4 stars). 2 submissions from 2 submitters: Uncertain significance (2). Last evaluated 2024-02-02.

Conditions:
Epidermolysis bullosa simplex 5B, with muscular dystrophy (EBS5B). Also called: Epidermolysis bullosa simplex with muscular dystrophy; EPIDERMOLYSIS BULLOSA SIMPLEX AND LIMB-GIRDLE MUSCULAR DYSTROPHY. Identifiers: Orphanet 257, MedGen C2931072, MONDO:0009181, OMIM 226670.
Epidermolysis bullosa simplex 5C, with pyloric atresia (EBS5C). Also called: Epidermolysis bullosa simplex with pyloric atresia; PLEC-Related Epidermolysis Bullosa with Pyloric Atresia; PLEC1-Related Epidermolysis Bullosa with Pyloric Atresia. Identifiers: Orphanet 158684, MedGen C2677349, MONDO:0012807, OMIM 612138.
Epidermolysis bullosa simplex with nail dystrophy (EBS5D). Identifiers: MedGen C4225309, MONDO:0014661, OMIM 616487.
Autosomal recessive limb-girdle muscular dystrophy type 2Q (LGMDR17). Also called: MUSCULAR DYSTROPHY, LIMB-GIRDLE, AUTOSOMAL RECESSIVE 17. Identifiers: Orphanet 254361, MedGen C3150989, MONDO:0013390, OMIM 613723.
Epidermolysis bullosa simplex, Ogna type (EBS5A). Also called: Pidermolysis bullosa simplex 5A, Ogna type; EPIDERMOLYSIS BULLOSA SIMPLEX 5A, OGNA TYPE. Identifiers: Orphanet 79401, MedGen C0432317, MONDO:0007555, OMIM 131950.

Allele frequency attached by ClinVar (database versions not stated): ExAC 0.00001; gnomAD 0.00001; gnomAD exomes 0.00001 and 0.00003; TOPMed 0.00001.
gnomAD v4.1: 17 of 1,608,948 alleles (0.0011%); highest among the groups gnomAD compares: Middle Eastern, 0.016%; 1 homozygote.

Submissions (2):

Labcorp Genetics (formerly Invitae), Labcorp
Classification: Uncertain significance for Autosomal recessive limb-girdle muscular dystrophy type 2Q; Epidermolysis bullosa simplex, Ogna type; Epidermolysis bullosa simplex with nail dystrophy; Epidermolysis bullosa simplex 5C, with pyloric atresia; Epidermolysis bullosa simplex 5B, with muscular dystrophy. Last evaluated: 2024-02-02. Review status: criteria provided, single submitter. Criteria: Invitae Variant Classification Sherloc (09022015). Collection method: clinical testing. Allele origin: germline.
Comment: This sequence change replaces arginine, which is basic and polar, with cysteine, which is neutral and slightly polar, at codon 3021 of the PLEC protein (p.Arg3021Cys). This variant is present in population databases (rs782044314, gnomAD 0.01%), including at least one homozygous and/or hemizygous individual. This variant has not been reported in the literature in individuals affected with PLEC-related conditions. ClinVar contains an entry for this variant (Variation ID: 1363703). Advanced modeling of protein sequence and biophysical properties (such as structural, functional, and spatial information, amino acid conservation, physicochemical variation, residue mobility, and thermodynamic stability) has been performed at Invitae for this missense variant, however the output from this modeling did not meet the statistical confidence thresholds required to predict the impact of this variant on PLEC protein function. In summary, the available evidence is currently insufficient to determine the role of this variant in disease. Therefore, it has been classified as a Variant of Uncertain Significance.

Revvity Omics, Revvity
Classification: Uncertain significance. Last evaluated: 2019-02-04. Review status: criteria provided, single submitter. Criteria: ACMG Guidelines, 2015. Collection method: clinical testing. Allele origin: germline.

NM_201384.3(PLEC):c.8980C>T (p.Arg2994Cys)

Gene: PLEC (plectin; minus strand). Cytogenetic location: 8q24.3.
Variant type: single nucleotide variant.
Coding change: c.8980C>T on transcript NM_201384.3 (MANE Select); coding-DNA position 8980, C replaced by T.
Protein change: p.Arg2994Cys; replaces arginine 2994 with cysteine.
Molecular consequence: missense variant.
Genome position (GRCh38, 1-based): chr8:143,920,841, G>A on the plus strand (C>T on the coding strand, the complement: PLEC is on the minus strand). VCF-style: chr8-143920841-G-A. GRCh37 (hg19) VCF-style: chr8-144995009-G-A.
Other names: c.9061C>T (NM_000445.3); c.9061C>T, p.Arg3021Cys (NM_000445.5); c.8938C>T, p.Arg2980Cys (NM_201378.4); c.8914C>T, p.Arg2972Cys (NM_201379.3); c.9391C>T, p.Arg3131Cys (NM_201380.4); c.8884C>T, p.Arg2962Cys (NM_201381.3); c.8980C>T, p.Arg2994Cys (NM_201382.4); c.8992C>T, p.Arg2998Cys (NM_201383.3); short protein forms R2980C, R2994C, R2972C, R3131C, R2962C, R2998C, R3021C.
Identifiers: ClinVar variation 1363703 (VCV001363703.10), dbSNP rs782044314, ClinGen allele CA4925120.
Genomic context (GRCh38, chr8:143,920,841, plus strand): 5'-CCACCTCGGCTACGTCTCGCACAGAGCGCTCACCTCGCTGCAGCTGCTGGTAGAGCTCGC[G>A]GTCGATGACCCTGCTCTCCAGCAGCTCGGCGGCTGGCACCAGGCTGCGCAGGCCCTCAAA-3'
Protein context (NP_958786.1, residues 2984-3004): AELLESRVID[Arg2994Cys]ELYQQLQRGE